The following is an entry in ClinVar:

ClinVar aggregate classification (germline): Uncertain significance (1 of 4 stars; one submission).

Conditions:
DiGeorge syndrome. Also called: THIRD AND FOURTH PHARYNGEAL POUCH SYNDROME; Catch22. Identifiers: Orphanet 567, MedGen C0012236, MONDO:0008564, OMIM 188400.

Submission:

Labcorp Genetics (formerly Invitae), Labcorp
Classification: Uncertain significance for DiGeorge syndrome. Last evaluated: 2019-01-31. Review status: criteria provided, single submitter. Criteria: Invitae Variant Classification Sherloc (09022015). Collection method: clinical testing. Allele origin: germline.
Comment: This sequence change replaces glycine with cysteine at codon 34 of the TBX1 protein (p.Gly34Cys). The glycine residue is moderately conserved and there is a large physicochemical difference between glycine and cysteine. The frequency data for this variant in the population databases is considered unreliable, as metrics indicate insufficient coverage at this position in the ExAC database. In summary, the available evidence is currently insufficient to determine the role of this variant in disease. Therefore, it has been classified as a Variant of Uncertain Significance. This variant has not been reported in the literature in individuals with TBX1-related conditions.

NM_001379200.1(TBX1):c.127G>T (p.Gly43Cys)

Gene: TBX1 (T-box transcription factor 1; plus strand). Cytogenetic location: 22q11.21.
Variant type: single nucleotide variant.
Coding change: c.127G>T on transcript NM_001379200.1 (MANE Select); coding-DNA position 127, G replaced by T.
Protein change: p.Gly43Cys; replaces glycine 43 with cysteine.
Molecular consequence: missense variant.
Genome position (GRCh38, 1-based): chr22:19,760,970, G>T. VCF-style: chr22-19760970-G-T. GRCh37 (hg19) VCF-style: chr22-19748493-G-T.
Other names: c.100G>T, p.Gly34Cys (NM_005992.1, NM_080646.2, NM_080647.1); short protein forms G34C, G43C.
Identifiers: ClinVar variation 860548 (VCV000860548.9), dbSNP rs1936637392, ClinGen allele CA410681206.